The following is an entry in ClinVar:

NM_001184.4(ATR):c.893T>C (p.Leu298Pro)

Gene: ATR (ATR serine/threonine kinase; minus strand). Cytogenetic location: 3q23.
Variant type: single nucleotide variant.
Coding change: c.893T>C on transcript NM_001184.4 (MANE Select); coding-DNA position 893, T replaced by C.
Protein change: p.Leu298Pro; replaces leucine 298 with proline.
Molecular consequence: missense variant.
Genome position (GRCh38, 1-based): chr3:142,562,509, A>G on the plus strand (T>C on the coding strand, the complement: ATR is on the minus strand). VCF-style: chr3-142562509-A-G. GRCh37 (hg19) VCF-style: chr3-142281351-A-G.
Other names: c.893T>C, p.Leu298Pro (NM_001354579.2); short protein forms L298P.
Identifiers: ClinVar variation 3463415 (VCV003463415.1).
Genomic context (GRCh38, chr3:142,562,509, plus strand): 5'-AAATAGACAGGTTCAATATTTCTATAAGCTTCTGCTTCAAAGGGAAATAGTGTCTTTATC[A>G]GCTTTGATAATGGCTCTTCATAGAGTTTCAATTGGTCAGTATCCATTTCTACAAGGTGTT-3'
Protein context (NP_001175.2, residues 288-308): LKLYEEPLSK[Leu298Pro]IKTLFPFEAE

ClinVar aggregate classification (germline): Uncertain significance (1 of 4 stars; one submission).

Conditions:
Inborn genetic diseases. Identifiers: MedGen C0950123, MeSH D030342.

gnomAD v4.1: 1 of 1,613,896 alleles (0.000062%); highest among the groups gnomAD compares: South Asian, 0.0011%; no homozygotes.

Submission:

Ambry Genetics
Classification: Uncertain significance for Inborn genetic diseases. Last evaluated: 2024-11-12. Review status: criteria provided, single submitter. Criteria: Ambry Variant Classification Scheme 2023. Collection method: clinical testing. Allele origin: germline.
Comment: The p.L298P variant (also known as c.893T>C), located in coding exon 4 of the ATR gene, results from a T to C substitution at nucleotide position 893. The leucine at codon 298 is replaced by proline, an amino acid with similar properties. This amino acid position is conserved. In addition, this alteration is predicted to be deleterious by in silico analysis. Based on the available evidence, the clinical significance of this variant remains unclear.